The following is an entry in ClinVar:

NM_000812.4(GABRB1):c.94A>G (p.Ser32Gly)

Gene: GABRB1 (gamma-aminobutyric acid type A receptor subunit beta1; plus strand). Cytogenetic location: 4p12.
Variant type: single nucleotide variant.
Coding change: c.94A>G on transcript NM_000812.4 (MANE Select); coding-DNA position 94, A replaced by G.
Protein change: p.Ser32Gly; replaces serine 32 with glycine.
Molecular consequence: missense variant.
Genome position (GRCh38, 1-based): chr4:47,031,927, A>G. VCF-style: chr4-47031927-A-G. GRCh37 (hg19) VCF-style: chr4-47033944-A-G.
Other names: short protein forms S32G.
Identifiers: ClinVar variation 4767384 (VCV004767384.1).

ClinVar aggregate classification (germline): Uncertain significance (1 of 4 stars; one submission).

Submission:

Labcorp Genetics (formerly Invitae), Labcorp
Classification: Uncertain significance. Last evaluated: 2026-01-24. Review status: criteria provided, single submitter. Criteria: Invitae Variant Classification Sherloc (09022015). Collection method: clinical testing. Allele origin: germline.
Comment: This sequence change replaces serine, which is neutral and polar, with glycine, which is neutral and non-polar, at codon 32 of the GABRB1 protein (p.Ser32Gly). This variant is not present in population databases (gnomAD no frequency). This variant has not been reported in the literature in individuals affected with GABRB1-related conditions. Invitae Evidence Modeling of protein sequence and biophysical properties (such as structural, functional, and spatial information, amino acid conservation, physicochemical variation, residue mobility, and thermodynamic stability) indicates that this missense variant is not expected to disrupt GABRB1 protein function with a negative predictive value of 95%. In summary, the available evidence is currently insufficient to determine the role of this variant in disease. Therefore, it has been classified as a Variant of Uncertain Significance.